The following is an entry in ClinVar:

NM_004870.4(MPDU1):c.389-2A>G

Gene: MPDU1 (mannose-P-dolichol utilization defect 1; plus strand). Cytogenetic location: 17p13.1.
Variant type: single nucleotide variant.
Coding change: c.389-2A>G on transcript NM_004870.4 (MANE Select); the canonical splice acceptor site of the intron before coding-DNA position 389, A replaced by G.
Molecular consequence: splice acceptor variant. On other transcripts: intron variant (1).
Genome position (GRCh38, 1-based): chr17:7,586,897, A>G. VCF-style: chr17-7586897-A-G. GRCh37 (hg19) VCF-style: chr17-7490215-A-G.
Other names: c.449+59A>G (NM_001330073.1).
Identifiers: ClinVar variation 4685275 (VCV004685275.2).

ClinVar aggregate classification (germline): Likely pathogenic. Review status: criteria provided, multiple submitters, no conflicts (2 of 4 stars). 2 submissions from 2 submitters: Likely pathogenic (2). Last evaluated 2025-07-10.

Conditions:
MPDU1-related disorders.

Submissions (2):

GeneDx
Classification: Likely pathogenic. Last evaluated: 2025-07-10. Review status: criteria provided, single submitter. Criteria: GeneDx Variant Classification Process June 2021. Collection method: clinical testing. Allele origin: germline. Affected: yes.
Comment: Canonical splice site variant predicted to result in a null allele in a gene for which loss of function is a known mechanism of disease; Not observed at significant frequency in large population cohorts (gnomAD); Has not been previously published as pathogenic or benign to our knowledge

Blueprint Genetics
Classification: Likely pathogenic for MPDU1-related disorders. Last evaluated: 2023-11-14. Review status: criteria provided, single submitter. Criteria: ACMG Guidelines, 2015. Collection method: clinical testing. Allele origin: germline. Affected: yes. Observed: 1 variant allele.